The following is an entry in ClinVar:

ClinVar aggregate classification (germline): Benign/Likely benign. Review status: criteria provided, multiple submitters, no conflicts (2 of 4 stars). 19 submissions from 18 submitters: Benign (14); Likely benign (1). 4 of the submissions do not count toward it. Last evaluated 2026-02-04.

Conditions:
Autoinflammatory syndrome. Identifiers: Orphanet 93665, MedGen C3890737, MONDO:0019751.
Inborn genetic diseases. Identifiers: MedGen C0950123, MeSH D030342.
Familial Mediterranean fever, autosomal dominant. Also called: FMF, AUTOSOMAL DOMINANT; Dominant Familial Mediterranean Fever. Identifiers: Orphanet 342, MedGen C1851347, MONDO:0007601, OMIM 134610.
Familial Mediterranean fever (FMF). Also called: Periodic peritonitis; Benign paroxysmal peritonitis; POLYSEROSITIS, FAMILIAL PAROXYSMAL; POLYSEROSITIS, RECURRENT. Identifiers: Orphanet 342, MedGen C0031069, MONDO:0018088, OMIM 249100. Disease mechanism: gain of function.

Allele frequency attached by ClinVar (database versions not stated): gnomAD exomes 0.42975; gnomAD 0.47130 and 0.48450; ExAC 0.49074; 1000 Genomes Project 30x 0.39850; ESP Exome Variant Server 0.46697; 1000 Genomes Project 0.38638; TOPMed 0.48021.
gnomAD v4.1: 717,646 of 1,577,888 alleles (45%); highest among the groups gnomAD compares: Admixed American, 59%; 169,953 homozygotes.

Submissions (19):

Labcorp Genetics (formerly Invitae), Labcorp
Classification: Benign for Familial Mediterranean fever. Last evaluated: 2026-02-04. Review status: criteria provided, single submitter. Criteria: Invitae Variant Classification Sherloc (09022015). Collection method: clinical testing. Allele origin: germline.

ARUP Laboratories, Molecular Genetics and Genomics, ARUP Laboratories
Classification: Benign. Last evaluated: 2025-07-31. Review status: criteria provided, single submitter. Criteria: ARUP Molecular Germline Variant Investigation Process 2024. Collection method: clinical testing. Allele origin: germline.

Blueprint Genetics
Classification: Likely benign. Last evaluated: 2024-11-27. Review status: criteria provided, single submitter. Criteria: ACMG Guidelines, 2015. Collection method: clinical testing. Allele origin: germline.

Unidad de Genómica Garrahan, Hospital de Pediatría Garrahan
Classification: Benign. Last evaluated: 2023-11-12. Review status: criteria provided, single submitter. Criteria: ACMG Guidelines, 2015. Collection method: clinical testing. Allele origin: germline. Affected: no. Observed: 58 variant alleles.
Comment: This variant is classified as Benign based on local population frequency. This variant was detected in 60% of patients studied by a panel of primary immunodeficiencies. Number of patients: 58. Only high quality variants are reported.

Mayo Clinic Laboratories, Mayo Clinic
Classification: Benign. Last evaluated: 2022-03-09. Review status: criteria provided, single submitter. Criteria: ACMG Guidelines, 2015. Collection method: clinical testing. Allele origin: germline. Observed: 971 variant alleles.

Genome-Nilou Lab
Classification: Benign for Familial Mediterranean fever, autosomal dominant. Last evaluated: 2021-07-01. Review status: criteria provided, single submitter. Criteria: ACMG Guidelines, 2015. Collection method: clinical testing. Allele origin: germline. Affected: no.

Genome-Nilou Lab
Classification: Benign for Familial Mediterranean fever. Last evaluated: 2021-07-01. Review status: criteria provided, single submitter. Criteria: ACMG Guidelines, 2015. Collection method: clinical testing. Allele origin: germline. Affected: no.

Illumina Laboratory Services, Illumina
Classification: Benign for Familial Mediterranean fever. Last evaluated: 2018-01-12. Review status: criteria provided, single submitter. Criteria: ICSL Variant Classification Criteria 13 December 2019. Collection method: clinical testing. Allele origin: germline.
Comment: This variant was observed in the ICSL laboratory as part of a predisposition screen in an ostensibly healthy population. It had not been previously curated by ICSL or reported in the Human Gene Mutation Database (HGMD: prior to June 1st, 2018), and was therefore a candidate for classification through an automated scoring system. Utilizing variant allele frequency, disease prevalence and penetrance estimates, and inheritance mode, an automated score was calculated to assess if this variant is too frequent to cause the disease. Based on the score and internal cut-off values, a variant classified as benign is not then subjected to further curation. The score for this variant resulted in a classification of benign for this disease.

Genome Diagnostics Laboratory, The Hospital for Sick Children
Classification: Benign for Autoinflammatory syndrome. Last evaluated: 2016-12-12. Review status: criteria provided, single submitter. Criteria: ACMG Guidelines, 2015. Collection method: clinical testing. Allele origin: germline. Affected: yes.

Ambry Genetics
Classification: Benign for Inborn genetic diseases. Last evaluated: 2016-10-08. Review status: criteria provided, single submitter. Criteria: Ambry Variant Classification Scheme 2023. Collection method: clinical testing. Allele origin: germline.

Eurofins Ntd Llc (ga)
Classification: Benign. Last evaluated: 2015-12-14. Review status: criteria provided, single submitter. Criteria: EGL Classification Definitions 2015. Collection method: clinical testing. Allele origin: germline. Observed: 3 variant alleles, 3 heterozygotes.

GeneDx
Classification: Benign. Last evaluated: 2015-03-03. Review status: criteria provided, single submitter. Criteria: GeneDx Variant Classification Process June 2021. Collection method: clinical testing. Allele origin: germline. Affected: yes.

Women's Health and Genetics/Laboratory Corporation of America, LabCorp
Classification: Benign for Familial Mediterranean Fever. Last evaluated: 2011-08-18. Review status: criteria provided, single submitter. Criteria: LabCorp Variant Classification Summary - May 2015. Collection method: curation, clinical testing. Allele origin: germline. Inheritance: autosomal unknown. Affected: yes.
ClinVar note: Converted during submission from benign to Benign.

Breakthrough Genomics
Classification: Benign. Review status: criteria provided, single submitter. Criteria: ACMG Guidelines, 2015. Collection method: not provided. Allele origin: germline. Inheritance: Autosomal recessive inheritance. Affected: yes.

PreventionGenetics, part of Exact Sciences
Classification: Benign. Review status: criteria provided, single submitter. Criteria: ACMG Guidelines, 2015. Collection method: clinical testing. Allele origin: germline.

Natera, Inc.
Classification: Benign for Familial Mediterranean fever. Last evaluated: 2020-09-16. Review status: no assertion criteria provided. Collection method: clinical testing. Allele origin: germline. Not counted in ClinVar's aggregate classification.

Department of Pathology and Laboratory Medicine, Sinai Health System
Classification: Uncertain significance. Review status: no assertion criteria provided. Collection method: clinical testing. Allele origin: unknown. Affected: yes. Study: The Canadian Open Genetics Repository (COGR). Not counted in ClinVar's aggregate classification.
Comment: Allele frequency is common in at least one population database (frequency: 67.678% in ExAC) based on the frequency threshold of 1.904% for this gene. Variant was observed in a homozygous state in population databases more than expected for disease. A synonymous variant not located in a splice region.

Diagnostic Laboratory, Department of Genetics, University Medical Center Groningen
Classification: Benign. Review status: no assertion criteria provided. Collection method: clinical testing. Allele origin: germline. Affected: yes. Study: VKGL Data-share Consensus. Not counted in ClinVar's aggregate classification.

Genome Diagnostics Laboratory, University Medical Center Utrecht
Classification: Benign. Review status: no assertion criteria provided. Collection method: clinical testing. Allele origin: germline. Affected: yes. Study: VKGL Data-share Consensus. Not counted in ClinVar's aggregate classification.

NM_000243.3(MEFV):c.495C>A (p.Ala165=)

Gene: MEFV (MEFV innate immunity regulator, pyrin; minus strand). Cytogenetic location: 16p13.3.
Variant type: single nucleotide variant.
Coding change: c.495C>A on transcript NM_000243.3 (MANE Select); coding-DNA position 495, C replaced by A.
Protein change: p.Ala165=; no amino-acid change (alanine 165 retained).
Molecular consequence: synonymous variant. On other transcripts: intron variant (1).
Genome position (GRCh38, 1-based): chr16:3,254,573, G>T on the plus strand (C>A on the coding strand, the complement: MEFV is on the minus strand). VCF-style: chr16-3254573-G-T. GRCh37 (hg19) VCF-style: chr16-3304573-G-T.
Other names: p.Ala165=; c.277+1738C>A (NM_001198536.2).
Identifiers: ClinVar variation 36511 (VCV000036511.50), dbSNP rs224223, ClinGen allele CA280277.